The following is an entry in ClinVar:

NM_033004.4(NLRP1):c.3730G>A (p.Glu1244Lys)

Gene: NLRP1 (NLR family pyrin domain containing 1; minus strand). Cytogenetic location: 17p13.2.
Variant type: single nucleotide variant.
Coding change: c.3730G>A on transcript NM_033004.4 (MANE Select); coding-DNA position 3730, G replaced by A.
Protein change: p.Glu1244Lys; replaces glutamic acid 1244 with lysine.
Molecular consequence: missense variant.
Genome position (GRCh38, 1-based): chr17:5,521,577, C>T on the plus strand (G>A on the coding strand, the complement: NLRP1 is on the minus strand). VCF-style: chr17-5521577-C-T. GRCh37 (hg19) VCF-style: chr17-5424897-C-T.
Other names: c.3742G>A, p.Glu1248Lys (NM_001033053.3); c.3730G>A, p.Glu1244Lys (NM_014922.5); c.3640G>A, p.Glu1214Lys (NM_033006.4, NM_033007.4); short protein forms E1214K, E1244K, E1248K.
Identifiers: ClinVar variation 2833765 (VCV002833765.3), dbSNP rs763418835, ClinGen allele CA397389064.

ClinVar aggregate classification (germline): Uncertain significance (1 of 4 stars; one submission).

Allele frequency attached by ClinVar (database versions not stated): gnomAD exomes below 0.00001.
gnomAD v4.1: 1 of 1,614,136 alleles (0.000062%); highest among the groups gnomAD compares: Non-Finnish European, 0.000085%; no homozygotes.

Submission:

Labcorp Genetics (formerly Invitae), Labcorp
Classification: Uncertain significance. Last evaluated: 2023-03-06. Review status: criteria provided, single submitter. Criteria: Invitae Variant Classification Sherloc (09022015). Collection method: clinical testing. Allele origin: germline.
Comment: In summary, the available evidence is currently insufficient to determine the role of this variant in disease. Therefore, it has been classified as a Variant of Uncertain Significance. Algorithms developed to predict the effect of missense changes on protein structure and function output the following: SIFT: "Not Available"; PolyPhen-2: "Benign"; Align-GVGD: "Not Available". The lysine amino acid residue is found in multiple mammalian species, which suggests that this missense change does not adversely affect protein function. This variant has not been reported in the literature in individuals affected with NLRP1-related conditions. This variant is not present in population databases (gnomAD no frequency). This sequence change replaces glutamic acid, which is acidic and polar, with lysine, which is basic and polar, at codon 1244 of the NLRP1 protein (p.Glu1244Lys).